The following is an entry in ClinVar:

ClinVar aggregate classification (germline): Benign/Likely benign. Review status: criteria provided, multiple submitters, no conflicts (2 of 4 stars). 7 submissions from 7 submitters: Benign (5); Likely benign (2). Last evaluated 2026-02-02.

Conditions:
Ehlers-Danlos syndrome (EDS). Identifiers: Orphanet 98249, MedGen C0013720, MONDO:0020066.
Familial thoracic aortic aneurysm and aortic dissection (TAAD). Also called: Thoracic aortic aneurysms and dissections. Identifiers: Orphanet 91387, MedGen C4707243, MONDO:0019625.
Congenital contractural arachnodactyly (CCA). Also called: BEALS SYNDROME; Beals-Hecht syndrome; Arthrogryposis, distal, type 9. Identifiers: Orphanet 115, MedGen C0220668, MONDO:0007363, OMIM 121050.

Allele frequency attached by ClinVar (database versions not stated): gnomAD exomes 0.00019 and 0.00079; gnomAD 0.00022 and 0.00029; TOPMed 0.00034; ExAC 0.00081; 1000 Genomes Project 0.00140; 1000 Genomes Project 30x 0.00156.
gnomAD v4.1: 320 of 1,614,054 alleles (0.02%); highest among the groups gnomAD compares: East Asian, 0.65%; 3 homozygotes.

Submissions (7):

Labcorp Genetics (formerly Invitae), Labcorp
Classification: Benign for Congenital contractural arachnodactyly. Last evaluated: 2026-02-02. Review status: criteria provided, single submitter. Criteria: Invitae Variant Classification Sherloc (09022015). Collection method: clinical testing. Allele origin: germline.

Blueprint Genetics
Classification: Likely benign. Last evaluated: 2024-10-11. Review status: criteria provided, single submitter. Criteria: ACMG Guidelines, 2015. Collection method: clinical testing. Allele origin: germline.

Women's Health and Genetics/Laboratory Corporation of America, LabCorp
Classification: Benign. Last evaluated: 2023-07-21. Review status: criteria provided, single submitter. Criteria: LabCorp Variant Classification Summary - May 2015. Collection method: clinical testing. Allele origin: germline.

Genome Diagnostics Laboratory, The Hospital for Sick Children
Classification: Benign for Ehlers-Danlos syndrome. Last evaluated: 2021-04-14. Review status: criteria provided, single submitter. Criteria: ACMG Guidelines, 2015. Collection method: clinical testing. Allele origin: germline.

Illumina Laboratory Services, Illumina
Classification: Benign for Congenital contractural arachnodactyly. Last evaluated: 2018-01-12. Review status: criteria provided, single submitter. Criteria: ICSL Variant Classification Criteria 13 December 2019. Collection method: clinical testing. Allele origin: germline.
Comment: This variant was observed in the ICSL laboratory as part of a predisposition screen in an ostensibly healthy population. It had not been previously curated by ICSL or reported in the Human Gene Mutation Database (HGMD: prior to June 1st, 2018), and was therefore a candidate for classification through an automated scoring system. Utilizing variant allele frequency, disease prevalence and penetrance estimates, and inheritance mode, an automated score was calculated to assess if this variant is too frequent to cause the disease. Based on the score and internal cut-off values, a variant classified as benign is not then subjected to further curation. The score for this variant resulted in a classification of benign for this disease.

Ambry Genetics
Classification: Likely benign for Familial thoracic aortic aneurysm and aortic dissection. Last evaluated: 2015-09-15. Review status: criteria provided, single submitter. Criteria: Ambry Variant Classification Scheme 2023. Collection method: clinical testing. Allele origin: germline.

GeneDx
Classification: Benign. Last evaluated: 2014-12-15. Review status: criteria provided, single submitter. Criteria: GeneDx Variant Classification (06012015). Collection method: clinical testing. Allele origin: germline. Affected: yes.
Comment: This variant is considered likely benign or benign based on one or more of the following criteria: it is a conservative change, it occurs at a poorly conserved position in the protein, it is predicted to be benign by multiple in silico algorithms, and/or has population frequency not consistent with disease.

NM_001999.4(FBN2):c.5670T>C (p.Cys1890=)

Gene: FBN2 (fibrillin 2; minus strand). Cytogenetic location: 5q23.3.
Variant type: single nucleotide variant.
Coding change: c.5670T>C on transcript NM_001999.4 (MANE Select); coding-DNA position 5670, T replaced by C.
Protein change: p.Cys1890=; no amino-acid change (cysteine 1890 retained).
Molecular consequence: synonymous variant.
Genome position (GRCh38, 1-based): chr5:128,305,515, A>G on the plus strand (T>C on the coding strand, the complement: FBN2 is on the minus strand). VCF-style: chr5-128305515-A-G. GRCh37 (hg19) VCF-style: chr5-127641207-A-G.
Identifiers: ClinVar variation 213238 (VCV000213238.25), dbSNP rs74811638, ClinGen allele CA323773.
Genomic context (GRCh38, chr5:128,305,515, plus strand): 5'-GGAAATCTAAGGAATCTTGTGCTCAGTGCCAAAGAATGAGTCAGCCTCTTTCTTACCTAC[A>G]CAGGCCCCATTGGGTGAAAGTTTGAAACCCGCGGCACATTCACAGCGGTAACTACCAGGA-3'
Protein context (NP_001990.2, residues 1880-1900): AGFKLSPNGA[Cys1890=]VDRNECLEIP